The following is an entry in ClinVar:

ClinVar aggregate classification (germline): Uncertain significance (1 of 4 stars; one submission).

Conditions:
SOCS1-related disorder. Also called: SOCS1-related condition.

Submission:

PreventionGenetics, part of Exact Sciences
Classification: Uncertain significance for SOCS1-related condition. Last evaluated: 2025-05-04. Review status: criteria provided, single submitter. Criteria: ACMG Guidelines, 2015. Collection method: clinical testing. Allele origin: germline.
Comment: The SOCS1 c.295G>T variant is predicted to result in the amino acid substitution p.Gly99Cys. To our knowledge, this variant has not been reported in the literature or in a large population database (gnomAD), indicating this variant is rare. At this time, the clinical significance of this variant is uncertain due to the absence of conclusive functional and genetic evidence.

NM_003745.2(SOCS1):c.295G>T (p.Gly99Cys)

Gene: SOCS1 (suppressor of cytokine signaling 1; minus strand). Cytogenetic location: 16p13.13.
Variant type: single nucleotide variant.
Coding change: c.295G>T on transcript NM_003745.2 (MANE Select); coding-DNA position 295, G replaced by T.
Protein change: p.Gly99Cys; replaces glycine 99 with cysteine.
Molecular consequence: missense variant.
Genome position (GRCh38, 1-based): chr16:11,255,184, C>A on the plus strand (G>T on the coding strand, the complement: SOCS1 is on the minus strand). VCF-style: chr16-11255184-C-A. GRCh37 (hg19) VCF-style: chr16-11349041-C-A.
Other names: short protein forms G99C.
Identifiers: ClinVar variation 4997890 (VCV004997890.1).